The following is an entry in ClinVar:

NM_001291415.2(KDM6A):c.2069A>G (p.Asn690Ser)

Gene: KDM6A (lysine demethylase 6A; plus strand). Cytogenetic location: Xp11.3.
Variant type: single nucleotide variant.
Coding change: c.2069A>G on transcript NM_001291415.2 (MANE Select); coding-DNA position 2069, A replaced by G.
Protein change: p.Asn690Ser; replaces asparagine 690 with serine.
Molecular consequence: missense variant. On other transcripts: non-coding transcript variant (1).
Genome position (GRCh38, 1-based): chrX:45,063,807, A>G. VCF-style: chrX-45063807-A-G. GRCh37 (hg19) VCF-style: chrX-44923052-A-G.
Other names: c.1934A>G, p.Asn645Ser (NM_001291416.2); c.1778A>G, p.Asn593Ser (NM_001291417.2); c.1676A>G, p.Asn559Ser (NM_001291418.2); c.1025A>G, p.Asn342Ser (NM_001291421.2); c.1913A>G, p.Asn638Ser (NM_021140.4); short protein forms N342S, N559S, N593S, N638S, N645S, N690S.
Identifiers: ClinVar variation 1019098 (VCV001019098.8), dbSNP rs2044408983, ClinGen allele CA412791038.

ClinVar aggregate classification (germline): Uncertain significance (1 of 4 stars; one submission).

Conditions:
Kabuki syndrome 2 (KABUK2). Also called: KDM6A-Related Kabuki Syndrome. Identifiers: Orphanet 2322, MedGen C3275495, MONDO:0010465, OMIM 300867.

Submission:

Labcorp Genetics (formerly Invitae), Labcorp
Classification: Uncertain significance for Kabuki syndrome 2. Last evaluated: 2025-06-05. Review status: criteria provided, single submitter. Criteria: Invitae Variant Classification Sherloc (09022015). Collection method: clinical testing. Allele origin: germline.
Comment: This sequence change replaces asparagine, which is neutral and polar, with serine, which is neutral and polar, at codon 638 of the KDM6A protein (p.Asn638Ser). This variant is not present in population databases (gnomAD no frequency). This variant has not been reported in the literature in individuals affected with KDM6A-related conditions. ClinVar contains an entry for this variant (Variation ID: 1019098). Invitae Evidence Modeling of protein sequence and biophysical properties (such as structural, functional, and spatial information, amino acid conservation, physicochemical variation, residue mobility, and thermodynamic stability) indicates that this missense variant is not expected to disrupt KDM6A protein function with a negative predictive value of 80%. In summary, the available evidence is currently insufficient to determine the role of this variant in disease. Therefore, it has been classified as a Variant of Uncertain Significance.